The following is an entry in ClinVar:

ClinVar aggregate classification (germline): Uncertain significance (1 of 4 stars; one submission).

Submission:

GeneDx
Classification: Uncertain significance. Last evaluated: 2024-01-22. Review status: criteria provided, single submitter. Criteria: GeneDx Variant Classification Process June 2021. Collection method: clinical testing. Allele origin: germline. Affected: yes.
Comment: Not observed at significant frequency in large population cohorts (gnomAD); Has not been previously published as pathogenic or benign to our knowledge; Canonical splice site variant in a gene or region of a gene for which loss of function is not a well-established mechanism of disease

NM_014975.3(MAST1):c.1506-2A>C

Gene: MAST1 (microtubule associated serine/threonine kinase 1; plus strand). Cytogenetic location: 19p13.13.
Variant type: single nucleotide variant.
Coding change: c.1506-2A>C on transcript NM_014975.3 (MANE Select); the canonical splice acceptor site of the intron before coding-DNA position 1506, A replaced by C.
Molecular consequence: splice acceptor variant.
Genome position (GRCh38, 1-based): chr19:12,865,044, A>C. VCF-style: chr19-12865044-A-C. GRCh37 (hg19) VCF-style: chr19-12975858-A-C.
Identifiers: ClinVar variation 3370242 (VCV003370242.1).